The following is an entry in ClinVar:

NM_000198.4(HSD3B2):c.280G>C (p.Glu94Gln)

Gene: HSD3B2 (hydroxy-delta-5-steroid dehydrogenase, 3 beta- and steroid delta-isomerase 2; plus strand). Cytogenetic location: 1p12.
Variant type: single nucleotide variant.
Coding change: c.280G>C on transcript NM_000198.4 (MANE Select); coding-DNA position 280, G replaced by C.
Protein change: p.Glu94Gln; replaces glutamic acid 94 with glutamine.
Molecular consequence: missense variant.
Genome position (GRCh38, 1-based): chr1:119,419,555, G>C. VCF-style: chr1-119419555-G-C. GRCh37 (hg19) VCF-style: chr1-119962178-G-C.
Other names: c.280G>C, p.Glu94Gln (NM_001166120.2); short protein forms E94Q.
Identifiers: ClinVar variation 1694521 (VCV001694521.34), dbSNP rs6211, ClinGen allele CA1035934.
Genomic context (GRCh38, chr1:119,419,555, plus strand): 5'-GACGTCTCGGTCGTCATCCACACCGCCTGTATCATTGATGTCTTTGGTGTCACTCACAGA[G>C]AGTCCATCATGAATGTCAATGTGAAAGGTACAGTAGCCTGGGGAGGAGATAAAACAAGTT-3'
Protein context (NP_000189.1, residues 84-104): IIDVFGVTHR[Glu94Gln]SIMNVNVKGT

ClinVar aggregate classification (germline): Likely benign. Review status: criteria provided, multiple submitters, no conflicts (2 of 4 stars). 2 submissions from 2 submitters: Likely benign (2). Last evaluated 2026-01-09.

Allele frequency attached by ClinVar (database versions not stated): gnomAD exomes 0.00021; ESP Exome Variant Server 0.00023; ExAC 0.00028; gnomAD 0.00056 and 0.00058; TOPMed 0.00060; 1000 Genomes Project 30x 0.00078; 1000 Genomes Project 0.00100.
gnomAD v4.1: 262 of 1,613,914 alleles (0.016%); highest among the groups gnomAD compares: Middle Eastern, 0.28%; no homozygotes.

Submissions (2):

Labcorp Genetics (formerly Invitae), Labcorp
Classification: Likely benign. Last evaluated: 2026-01-09. Review status: criteria provided, single submitter. Criteria: Invitae Variant Classification Sherloc (09022015). Collection method: clinical testing. Allele origin: germline.

CeGaT Center for Human Genetics Tuebingen
Classification: Likely benign. Last evaluated: 2022-05-01. Review status: criteria provided, single submitter. Criteria: CeGaT Center For Human Genetics Tuebingen Variant Classification Criteria Version 2. Collection method: clinical testing. Allele origin: germline. Affected: yes. Observed: 1 variant allele.
Comment: HSD3B2: BP4